The following is an entry in ClinVar:

NM_019109.5(ALG1):c.1185G>C (p.Lys395Asn)

Gene: ALG1 (ALG1 chitobiosyldiphosphodolichol beta-mannosyltransferase; plus strand). Cytogenetic location: 16p13.3.
Variant type: single nucleotide variant.
Coding change: c.1185G>C on transcript NM_019109.5 (MANE Select); coding-DNA position 1185, G replaced by C.
Protein change: p.Lys395Asn; replaces lysine 395 with asparagine.
Molecular consequence: missense variant.
Genome position (GRCh38, 1-based): chr16:5,082,671, G>C. VCF-style: chr16-5082671-G-C. GRCh37 (hg19) VCF-style: chr16-5132672-G-C.
Other names: c.852G>C, p.Lys284Asn (NM_001330504.2); short protein forms K395N, K284N.
Identifiers: ClinVar variation 1461751 (VCV001461751.5), dbSNP rs1308517122, ClinGen allele CA394673983.

ClinVar aggregate classification (germline): Uncertain significance (1 of 4 stars; one submission).

Conditions:
ALG1-congenital disorder of glycosylation. Also called: ALG1-CDG; CONGENITAL DISORDER OF GLYCOSYLATION, TYPE Ik; CDG Ik. Identifiers: Orphanet 79327, MedGen C2931005, MONDO:0012052, OMIM 608540.

Allele frequency attached by ClinVar (database versions not stated): gnomAD exomes below 0.00001 and 0.00001; TOPMed below 0.00001.
gnomAD v4.1: 2 of 1,611,434 alleles (0.00012%); highest among the groups gnomAD compares: Admixed American, 0.0017%; no homozygotes.

Submission:

Labcorp Genetics (formerly Invitae), Labcorp
Classification: Uncertain significance for ALG1-congenital disorder of glycosylation. Last evaluated: 2022-02-25. Review status: criteria provided, single submitter. Criteria: Invitae Variant Classification Sherloc (09022015). Collection method: clinical testing. Allele origin: germline.
Comment: This sequence change replaces lysine, which is basic and polar, with asparagine, which is neutral and polar, at codon 395 of the ALG1 protein (p.Lys395Asn). This variant is present in population databases (no rsID available, gnomAD 0.005%). This variant has not been reported in the literature in individuals affected with ALG1-related conditions. Algorithms developed to predict the effect of missense changes on protein structure and function (SIFT, PolyPhen-2, Align-GVGD) all suggest that this variant is likely to be tolerated. Algorithms developed to predict the effect of sequence changes on RNA splicing suggest that this variant may create or strengthen a splice site. In summary, the available evidence is currently insufficient to determine the role of this variant in disease. Therefore, it has been classified as a Variant of Uncertain Significance.